The following is an entry in ClinVar:

NM_173630.4(RTTN):c.998C>T (p.Ala333Val)

Gene: RTTN (rotatin; minus strand). Cytogenetic location: 18q22.2.
Variant type: single nucleotide variant.
Coding change: c.998C>T on transcript NM_173630.4 (MANE Select); coding-DNA position 998, C replaced by T.
Protein change: p.Ala333Val; replaces alanine 333 with valine.
Molecular consequence: missense variant. On other transcripts: 5 prime UTR variant (1).
Genome position (GRCh38, 1-based): chr18:70,193,297, G>A on the plus strand (C>T on the coding strand, the complement: RTTN is on the minus strand). VCF-style: chr18-70193297-G-A. GRCh37 (hg19) VCF-style: chr18-67860533-G-A.
Other names: c.-1556C>T (NM_001318520.2); short protein forms A333V.
Identifiers: ClinVar variation 212087 (VCV000212087.9), dbSNP rs577076002, ClinGen allele CA206326.
Genomic context (GRCh38, chr18:70,193,297, plus strand): 5'-CACAAGTTAACCGGCATTTCTCATTTCCCCAGAGACACTGCTAGCAGTCACCTAGAGGAC[G>A]CTGCATCCCAGTCCTGGCCATCTCCTCTGGGTCGCTGGCCTGTGCGCCCAACCACAGAAG-3'
Protein context (NP_775901.3, residues 323-343): PRGDGQDWDA[Ala333Val]SSSGSSSHAH

ClinVar aggregate classification (germline): Uncertain significance. Review status: criteria provided, multiple submitters, no conflicts (2 of 4 stars). 2 submissions from 2 submitters: Uncertain significance (2). Last evaluated 2022-07-30.

Allele frequency attached by ClinVar (database versions not stated): gnomAD exomes 0.00005 and 0.00008; ExAC 0.00009; 1000 Genomes Project 30x 0.00016; 1000 Genomes Project 0.00020; gnomAD 0.00001 and 0.00004; TOPMed 0.00003.
gnomAD v4.1: 78 of 1,609,978 alleles (0.0048%); highest among the groups gnomAD compares: South Asian, 0.05%; no homozygotes.

Submissions (2):

Labcorp Genetics (formerly Invitae), Labcorp
Classification: Uncertain significance. Last evaluated: 2022-07-30. Review status: criteria provided, single submitter. Criteria: Invitae Variant Classification Sherloc (09022015). Collection method: clinical testing. Allele origin: germline.
Comment: ClinVar contains an entry for this variant (Variation ID: 212087). This sequence change replaces alanine, which is neutral and non-polar, with valine, which is neutral and non-polar, at codon 333 of the RTTN protein (p.Ala333Val). This variant is present in population databases (rs577076002, gnomAD 0.05%). This variant has not been reported in the literature in individuals affected with RTTN-related conditions. Algorithms developed to predict the effect of missense changes on protein structure and function output the following: SIFT: "Tolerated"; PolyPhen-2: "Benign"; Align-GVGD: "Class C0". The valine amino acid residue is found in multiple mammalian species, which suggests that this missense change does not adversely affect protein function. In summary, the available evidence is currently insufficient to determine the role of this variant in disease. Therefore, it has been classified as a Variant of Uncertain Significance.

Genetic Services Laboratory, University of Chicago
Classification: Uncertain significance. Last evaluated: 2015-04-30. Review status: criteria provided, single submitter. Criteria: ACMG Guidelines, 2015. Collection method: clinical testing. Allele origin: germline.